The following is an entry in ClinVar:

NM_001267550.2(TTN):c.65647T>G (p.Leu21883Val)

Genes: TTN (titin; minus strand), TTN-AS1 (TTN antisense RNA 1; plus strand). Cytogenetic location: 2q31.2.
Variant type: single nucleotide variant.
Coding change: c.65647T>G on transcript NM_001267550.2 (MANE Select); coding-DNA position 65647, T replaced by G.
Protein change: p.Leu21883Val; replaces leucine 21883 with valine.
Molecular consequence: missense variant. On other transcripts: non-coding transcript variant (1).
Genome position (GRCh38, 1-based): chr2:178,583,156, A>C on the plus strand (T>G on the coding strand, the complement: TTN is on the minus strand). VCF-style: chr2-178583156-A-C. GRCh37 (hg19) VCF-style: chr2-179447883-A-C.
Other names: c.60724T>G, p.Leu20242Val (NM_001256850.1); c.38452T>G, p.Leu12818Val (NM_003319.4); c.57943T>G, p.Leu19315Val (NM_133378.4); c.38827T>G, p.Leu12943Val (NM_133432.3); c.39028T>G, p.Leu13010Val (NM_133437.4); short protein forms L12818V, L21883V, L19315V, L20242V, L13010V, L12943V.
Identifiers: ClinVar variation 518551 (VCV000518551.5), dbSNP rs754416903, ClinGen allele CA1991662.

ClinVar aggregate classification (germline): Uncertain significance (1 of 4 stars; one submission).

Conditions:
Cardiovascular phenotype. Identifiers: MedGen CN230736.

Allele frequency attached by ClinVar (database versions not stated): gnomAD exomes below 0.00001; ExAC 0.00001.
gnomAD v4.1: 2 of 1,612,512 alleles (0.00012%); highest among the groups gnomAD compares: African/African-American, 0.0013%; no homozygotes.

Submission:

Ambry Genetics
Classification: Uncertain significance for Cardiovascular phenotype. Last evaluated: 2016-07-31. Review status: criteria provided, single submitter. Criteria: Ambry Variant Classification Scheme 2023. Collection method: clinical testing. Allele origin: germline.
Comment: The p.L12818V variant (also known as c.38452T>G), located in coding exon 140 of the TTN gene, results from a T to G substitution at nucleotide position 38452. This alteration is located in the A-band region of the N2-B isoform of the titin protein. The leucine at codon 12818 is replaced by valine, an amino acid with highly similar properties. Based on data from ExAC, the G allele has an overall frequency of less than 0.01% (1/103222). This amino acid position is highly conserved in available vertebrate species. In addition, this alteration is predicted to be tolerated by in silico analysis. Since supporting evidence is limited at this time, the clinical significance of this alteration remains unclear.